The following is an entry in ClinVar:

ClinVar aggregate classification (germline): Likely pathogenic (1 of 4 stars; one submission).

Conditions:
Mucopolysaccharidosis, MPS-III-D (MPS3D). Also called: N-ACETYLGLUCOSAMINE-6-SULFATASE DEFICIENCY; SANFILIPPO SYNDROME D; MPS III D; Mucopoly-saccharidosis type 3D; N-acetylglucosamine-6-sulfate sulfatase deficiency; MPS 3D. Identifiers: Orphanet 581, Orphanet 79272, MedGen C0086650, MONDO:0009658, OMIM 252940.

Submission:

Labcorp Genetics (formerly Invitae), Labcorp
Classification: Likely pathogenic for Mucopolysaccharidosis, MPS-III-D. Last evaluated: 2023-08-17. Review status: criteria provided, single submitter. Criteria: Invitae Variant Classification Sherloc (09022015). Collection method: clinical testing. Allele origin: germline.
Comment: In summary, the currently available evidence indicates that the variant is pathogenic, but additional data are needed to prove that conclusively. Therefore, this variant has been classified as Likely Pathogenic. Algorithms developed to predict the effect of sequence changes on RNA splicing suggest that this variant may disrupt the consensus splice site. This variant has not been reported in the literature in individuals affected with GNS-related conditions. This variant is not present in population databases (gnomAD no frequency). This sequence change affects an acceptor splice site in intron 8 of the GNS gene. It is expected to disrupt RNA splicing. Variants that disrupt the donor or acceptor splice site typically lead to a loss of protein function (PMID: 16199547), and loss-of-function variants in GNS are known to be pathogenic (PMID: 20232353).

Literature cited by the submitters: PubMed 16199547; PubMed 20232353.

NM_002076.4(GNS):c.995-2A>C

Gene: GNS (glucosamine (N-acetyl)-6-sulfatase; minus strand). Cytogenetic location: 12q14.3.
Variant type: single nucleotide variant.
Coding change: c.995-2A>C on transcript NM_002076.4 (MANE Select); the canonical splice acceptor site of the intron before coding-DNA position 995, A replaced by C.
Molecular consequence: splice acceptor variant.
Genome position (GRCh38, 1-based): chr12:64,737,109, T>G on the plus strand (A>C on the coding strand, the complement: GNS is on the minus strand). VCF-style: chr12-64737109-T-G. GRCh37 (hg19) VCF-style: chr12-65130889-T-G.
Identifiers: ClinVar variation 3002485 (VCV003002485.3), dbSNP rs1555220398, ClinGen allele CA385606353.